The following is an entry in ClinVar:

ClinVar aggregate classification (germline): Uncertain significance. Review status: criteria provided, multiple submitters, no conflicts (2 of 4 stars). 2 submissions from 2 submitters: Uncertain significance (2). Last evaluated 2023-06-21.

Conditions:
Autosomal dominant spastic paraplegia type 9. Identifiers: MedGen C1832669, MONDO:0015091.
de Barsy syndrome. Also called: Cutis laxa-corneal clouding-oligophrenia syndrome. Identifiers: Orphanet 2962, MedGen C0268354, MONDO:0017569.
Cutis laxa, autosomal dominant 3 (ADCL3). Identifiers: Orphanet 90348, MedGen C4225268, MONDO:0014706, OMIM 616603.
Inborn genetic diseases. Identifiers: MedGen C0950123, MeSH D030342.

Allele frequency attached by ClinVar (database versions not stated): gnomAD exomes below 0.00001.

Submissions (2):

Labcorp Genetics (formerly Invitae), Labcorp
Classification: Uncertain significance for Autosomal dominant spastic paraplegia type 9; de Barsy syndrome; Cutis laxa, autosomal dominant 3. Last evaluated: 2023-06-21. Review status: criteria provided, single submitter. Criteria: Invitae Variant Classification Sherloc (09022015). Collection method: clinical testing. Allele origin: germline.
Comment: Advanced modeling of protein sequence and biophysical properties (such as structural, functional, and spatial information, amino acid conservation, physicochemical variation, residue mobility, and thermodynamic stability) performed at Invitae indicates that this missense variant is not expected to disrupt ALDH18A1 protein function. This sequence change replaces glutamic acid, which is acidic and polar, with glutamine, which is neutral and polar, at codon 157 of the ALDH18A1 protein (p.Glu157Gln). This variant is not present in population databases (gnomAD no frequency). This variant has not been reported in the literature in individuals affected with ALDH18A1-related conditions. ClinVar contains an entry for this variant (Variation ID: 1920122). Algorithms developed to predict the effect of sequence changes on RNA splicing suggest that this variant may create or strengthen a splice site. In summary, the available evidence is currently insufficient to determine the role of this variant in disease. Therefore, it has been classified as a Variant of Uncertain Significance.

Ambry Genetics
Classification: Uncertain significance for Inborn genetic diseases. Last evaluated: 2022-09-06. Review status: criteria provided, single submitter. Criteria: Ambry Variant Classification Scheme 2023. Collection method: clinical testing. Allele origin: germline.

NM_002860.4(ALDH18A1):c.469G>C (p.Glu157Gln)

Gene: ALDH18A1 (aldehyde dehydrogenase 18 family member A1; minus strand). Cytogenetic location: 10q24.1.
Variant type: single nucleotide variant.
Coding change: c.469G>C on transcript NM_002860.4 (MANE Select); coding-DNA position 469, G replaced by C.
Protein change: p.Glu157Gln; replaces glutamic acid 157 with glutamine.
Molecular consequence: missense variant. On other transcripts: intron variant (2).
Genome position (GRCh38, 1-based): chr10:95,637,182, C>G on the plus strand (G>C on the coding strand, the complement: ALDH18A1 is on the minus strand). VCF-style: chr10-95637182-C-G. GRCh37 (hg19) VCF-style: chr10-97396939-C-G.
Other names: c.469G>C, p.Glu157Gln (NM_001017423.2, NM_001323413.2, NM_001323414.2 and 1 more transcripts); c.136G>C, p.Glu46Gln (NM_001323412.2, NM_001323416.2, NM_001323418.2); c.-78-3533G>C (NM_001323419.2); c.453+105G>C (NM_001323417.2); short protein forms E157Q, E46Q.
Identifiers: ClinVar variation 1920122 (VCV001920122.6), dbSNP rs531447908, ClinGen allele CA377706542.